The following is an entry in ClinVar:

ClinVar aggregate classification (germline): Uncertain significance (1 of 4 stars; one submission).

Conditions:
Melnick-Needles syndrome (MNS). Also called: MELNICK-NEEDLES OSTEODYSPLASTY; OSTEODYSPLASTY OF MELNICK AND NEEDLES; Melnick-Needles Syndrome (FLNA-MNS). Identifiers: Orphanet 2484, MedGen C0025237, MONDO:0010650, OMIM 309350.
Frontometaphyseal dysplasia (FMD1). Identifiers: Orphanet 1826, MedGen C0265293, MONDO:0015942.
Heterotopia, periventricular, X-linked dominant (PVNH1). Also called: PERIVENTRICULAR NODULAR HETEROTOPIA 1; X-linked periventricular heterotopia; PERIVENTRICULAR NODULAR HETEROTOPIA 4; HETEROTOPIA, PERIVENTRICULAR, 1. Identifiers: Orphanet 2149, Orphanet 82004, MedGen C1848213, MONDO:0010233, OMIM 300049.
Oto-palato-digital syndrome, type II (OPD2). Also called: FACIOPALATOOSSEOUS SYNDROME; OPD II SYNDROME; Otopalatodigital Syndrome, Type II; Otopalatodigital Syndrome Type 2 (FLNA-OPD2). Identifiers: Orphanet 669, Orphanet 90652, MedGen C1844696, MONDO:0010571, OMIM 304120.

gnomAD v4.1: 2 of 1,211,613 alleles (0.00017%); highest among the groups gnomAD compares: Non-Finnish European, 0.00022%; no homozygotes.

Submission:

Labcorp Genetics (formerly Invitae), Labcorp
Classification: Uncertain significance for Oto-palato-digital syndrome, type II; Heterotopia, periventricular, X-linked dominant; Frontometaphyseal dysplasia; Melnick-Needles syndrome. Last evaluated: 2025-04-27. Review status: criteria provided, single submitter. Criteria: Invitae Variant Classification Sherloc (09022015). Collection method: clinical testing. Allele origin: germline.
Comment: This sequence change replaces asparagine, which is neutral and polar, with tyrosine, which is neutral and polar, at codon 1371 of the FLNA protein (p.Asn1371Tyr). This variant is not present in population databases (gnomAD no frequency). This variant has not been reported in the literature in individuals affected with FLNA-related conditions. ClinVar contains an entry for this variant (Variation ID: 3748886). Invitae Evidence Modeling of protein sequence and biophysical properties (such as structural, functional, and spatial information, amino acid conservation, physicochemical variation, residue mobility, and thermodynamic stability) indicates that this missense variant is not expected to disrupt FLNA protein function with a negative predictive value of 95%. In summary, the available evidence is currently insufficient to determine the role of this variant in disease. Therefore, it has been classified as a Variant of Uncertain Significance.

NM_001110556.2(FLNA):c.4111A>T (p.Asn1371Tyr)

Gene: FLNA (filamin A; minus strand). Cytogenetic location: Xq28.
Variant type: single nucleotide variant.
Coding change: c.4111A>T on transcript NM_001110556.2 (MANE Select); coding-DNA position 4111, A replaced by T.
Protein change: p.Asn1371Tyr; replaces asparagine 1371 with tyrosine.
Molecular consequence: missense variant.
Genome position (GRCh38, 1-based): chrX:154,359,515, T>A on the plus strand (A>T on the coding strand, the complement: FLNA is on the minus strand). VCF-style: chrX-154359515-T-A. GRCh37 (hg19) VCF-style: chrX-153587883-T-A.
Other names: c.4111A>T, p.Asn1371Tyr (NM_001456.4); short protein forms N1371Y.
Identifiers: ClinVar variation 3748886 (VCV003748886.2).